The following is an entry in ClinVar:

NM_001371986.1(UNC80):c.6139C>T (p.Gln2047Ter)

Gene: UNC80 (unc-80 subunit of NALCN channel complex; plus strand). Cytogenetic location: 2q34.
Variant type: single nucleotide variant.
Coding change: c.6139C>T on transcript NM_001371986.1 (MANE Select); coding-DNA position 6139, C replaced by T.
Protein change: p.Gln2047Ter; replaces glutamine 2047 with a stop codon.
Molecular consequence: nonsense.
Genome position (GRCh38, 1-based): chr2:209,933,966, C>T. VCF-style: chr2-209933966-C-T. GRCh37 (hg19) VCF-style: chr2-210798690-C-T.
Other names: c.5941C>T, p.Gln1981Ter (NM_032504.2); c.5926C>T, p.Gln1976Ter (NM_182587.4); short protein forms Q1976*, Q2047*, Q1981*.
Identifiers: ClinVar variation 3655689 (VCV003655689.2).
Genomic context (GRCh38, chr2:209,933,966, plus strand): 5'-GTGGTGGGTTACGTGGAGGGCCTCTTCTTCAAGGATCTCAAGCAGACGATGAAGAAGGAG[C>T]AGTGTGAGGTGAAGCTCCTGGTGACCGCTTCAATGCCAGGTAAGCCACTACTACTTTTTA-3'

ClinVar aggregate classification (germline): Pathogenic (1 of 4 stars; one submission).

gnomAD v4.1: 1 of 1,550,136 alleles (0.000065%); highest among the groups gnomAD compares: Non-Finnish European, 0.000087%; no homozygotes.

Submission:

Labcorp Genetics (formerly Invitae), Labcorp
Classification: Pathogenic. Last evaluated: 2024-06-05. Review status: criteria provided, single submitter. Criteria: Invitae Variant Classification Sherloc (09022015). Collection method: clinical testing. Allele origin: germline.
Comment: This sequence change creates a premature translational stop signal (p.Gln1981*) in the UNC80 gene. It is expected to result in an absent or disrupted protein product. Loss-of-function variants in UNC80 are known to be pathogenic (PMID: 26545877, 26708751, 26708753). This variant is not present in population databases (gnomAD no frequency). This variant has not been reported in the literature in individuals affected with UNC80-related conditions. For these reasons, this variant has been classified as Pathogenic.

Literature cited by the submitters: PubMed 26545877; PubMed 26708751; PubMed 26708753.